The following is an entry in ClinVar:

ClinVar aggregate classification (germline): Uncertain significance (1 of 4 stars; one submission).

Allele frequency attached by ClinVar (database versions not stated): gnomAD exomes below 0.00001 and 0.00001; ExAC 0.00002.
gnomAD v4.1: 4 of 1,549,712 alleles (0.00026%); highest among the groups gnomAD compares: Admixed American, 0.0074%; no homozygotes.

Submissions (3):

Labcorp Genetics (formerly Invitae), Labcorp
Classification: Uncertain significance. Last evaluated: 2021-08-12. Review status: criteria provided, single submitter. Criteria: Invitae Variant Classification Sherloc (09022015). Collection method: clinical testing. Allele origin: germline.
Comment: This variant is present in population databases (rs782701264, ExAC 0.02%). Variants that disrupt the consensus splice site are a relatively common cause of aberrant splicing (PMID: 17576681, 9536098). Algorithms developed to predict the effect of sequence changes on RNA splicing suggest that this variant may disrupt the consensus splice site. This variant has not been reported in the literature in individuals affected with GPAA1-related conditions. This sequence change falls in intron 9 of the GPAA1 gene. It does not directly change the encoded amino acid sequence of the GPAA1 protein. It affects a nucleotide within the consensus splice site of the intron. In summary, the available evidence is currently insufficient to determine the role of this variant in disease. Therefore, it has been classified as a Variant of Uncertain Significance.

Dr. Peter K. Rogan Lab, Western University
No classification provided (evidence only). Condition: Clear cell carcinoma of kidney. Review status: no classification provided. Collection method: in vitro. Allele origin: not applicable. Functional consequence: retained intron. Not counted in ClinVar's aggregate classification.

Dr. Peter K. Rogan Lab, Western University
No classification provided (evidence only). Condition: Ovarian serous cystadenocarcinoma. Review status: no classification provided. Collection method: in vitro. Allele origin: not applicable. Functional consequence: retained intron. Not counted in ClinVar's aggregate classification.

Literature cited by the submitters: PubMed 17576681 (cited by Labcorp Genetics (formerly Invitae), Labcorp); PubMed 9536098 (cited by Labcorp Genetics (formerly Invitae), Labcorp).

NM_003801.4(GPAA1):c.1260+3G>C

Gene: GPAA1 (glycosylphosphatidylinositol anchor attachment 1; plus strand). Cytogenetic location: 8q24.3.
Variant type: single nucleotide variant.
Coding change: c.1260+3G>C on transcript NM_003801.4 (MANE Select); 3 bases into the intron after coding-DNA position 1260, G replaced by C.
Molecular consequence: intron variant.
Genome position (GRCh38, 1-based): chr8:144,085,141, G>C. VCF-style: chr8-144085141-G-C. GRCh37 (hg19) VCF-style: chr8-145140044-G-C.
Identifiers: ClinVar variation 1508153 (VCV001508153.7), dbSNP rs782701264, ClinGen allele CA4933110.